The following is an entry in ClinVar:

NM_000132.4(F8):c.1030A>C (p.Lys344Gln)

Gene: F8 (coagulation factor VIII; minus strand). Cytogenetic location: Xq28.
Variant type: single nucleotide variant.
Coding change: c.1030A>C on transcript NM_000132.4 (MANE Select); coding-DNA position 1030, A replaced by C.
Protein change: p.Lys344Gln; replaces lysine 344 with glutamine.
Molecular consequence: missense variant.
Genome position (GRCh38, 1-based): chrX:154,966,667, T>G on the plus strand (A>C on the coding strand, the complement: F8 is on the minus strand). VCF-style: chrX-154966667-T-G. GRCh37 (hg19) VCF-style: chrX-154194942-T-G.
Other names: NM_000132.4(F8):c.1030A>C; p.Lys344Gln; c.1030A>C (NM_000132.3); short protein forms K344Q.
Identifiers: ClinVar variation 1685801 (VCV001685801.5), dbSNP rs782395704, ClinGen allele CA10568510.

ClinVar aggregate classification (germline): Uncertain significance. Review status: reviewed by expert panel (3 of 4 stars). 4 submissions from 4 submitters: Uncertain significance (1). 3 of the submissions do not count toward it. Last evaluated 2025-06-06.

Conditions:
Thrombophilia, X-linked, due to factor 8 defect. Also called: Thrombophilia 13, X-linked, due to factor VIII defect; THROMBOPHILIA, X-LINKED, DUE TO FACTOR VIII DEFECT. Identifiers: MedGen C5676879, MONDO:0859082, OMIM 301071.
Hereditary factor VIII deficiency disease (HEMA). Also called: Hemophilia A; AUTOSOMAL HEMOPHILIA A; HEMOPHILIA, CLASSIC; Hemophilia A, congenital; HEM A; Factor 8 deficiency, congenital. Identifiers: Orphanet 98878, MedGen C0019069, MONDO:0010602, OMIM 306700.

Allele frequency attached by ClinVar (database versions not stated): gnomAD 0.00001; gnomAD exomes 0.00001 and 0.00002; ExAC 0.00002; TOPMed 0.00004.
gnomAD v4.1: 12 of 1,209,875 alleles (0.00099%); highest among the groups gnomAD compares: Middle Eastern, 0.023%; no homozygotes.

Submissions (4):

ClinGen Coagulation Factor Deficiency Variant Curation Expert Panel, Clingen
Classification: Uncertain significance for Hereditary factor VIII deficiency disease. Last evaluated: 2025-06-06. Review status: reviewed by expert panel. Criteria: ClinGen CoagFactor ACMG Specifications F8 V1.0.0. Collection method: curation. Allele origin: germline. Inheritance: X-linked inheritance.
Comment: The c.1030A>C variant in F8 is a missense variant predicted to cause substitution of lysine by glutamine at amino acid 344 (p.Lys344Gln). The variant is present in hemizygotes and its Grpmax Filtering AF of 0.000003840 meets none of the population codes. The computational predictor REVEL gives a score of 0.642, which is above the threshold of >=0.6, evidence that correlates with impact to F8 function meeting PP3. This variant has been reported in probands with hemophilia A, but PS4 was not applied due to a likely pathogenic variant being in cis with this variant in at least 3 individuals and von Willebrand type 2N was not ruled out for a fourth proband (PMID: 18217193). In summary, due to insufficient evidence, this variant meets the criteria to be classified as a variant of uncertain significance for hemophilia A based on the ACMG/AMP criteria applied, as specified by the ClinGen Coagulation Factor Deficiency (CFD) VCEP (version 1.0.0, released 10/5/2023): PP3.

Women's Health and Genetics/Laboratory Corporation of America, LabCorp
Classification: Uncertain significance. Last evaluated: 2023-05-08. Review status: criteria provided, single submitter. Criteria: LabCorp Variant Classification Summary - May 2015. Collection method: clinical testing. Allele origin: germline. Not counted in ClinVar's aggregate classification.
Comment: Variant summary: F8 c.1030A>C (p.Lys344Gln) results in a conservative amino acid change located in the Multicopper oxidase, second cupredoxin domain (IPR001117) of the encoded protein sequence. Four of five in-silico tools predict a benign effect of the variant on protein function. The variant allele was found at a frequency of 1.6e-05 in 182847 control chromosomes (gnomAD), including 2 hemizygotes. The available data on variant occurrences in the general population are insufficient to allow any conclusion about variant significance. c.1030A>C has been reported in the literature in individuals affected with Hemophilia A (e.g. Santacroce_2008, Johnsen_2022). These reports do not provide unequivocal conclusions about association of the variant with Factor VIII Deficiency (Hemophilia A). To our knowledge, no experimental evidence demonstrating an impact on protein function has been reported. The following publications have been ascertained in the context of this evaluation (PMID: 35770352, 18217193). One ClinVar submitter has assessed the variant since 2014: the variant was classified as pathogenic. Based on the evidence outlined above, the variant was classified as uncertain significance.

Labcorp Genetics (formerly Invitae), Labcorp
Classification: Uncertain significance. Last evaluated: 2023-01-25. Review status: criteria provided, single submitter. Criteria: Invitae Variant Classification Sherloc (09022015). Collection method: clinical testing. Allele origin: germline. Not counted in ClinVar's aggregate classification.
Comment: In summary, the available evidence is currently insufficient to determine the role of this variant in disease. Therefore, it has been classified as a Variant of Uncertain Significance. Algorithms developed to predict the effect of missense changes on protein structure and function (SIFT, PolyPhen-2, Align-GVGD) all suggest that this variant is likely to be tolerated. ClinVar contains an entry for this variant (Variation ID: 1685801). This sequence change replaces lysine, which is basic and polar, with glutamine, which is neutral and polar, at codon 344 of the F8 protein (p.Lys344Gln). This variant is present in population databases (rs782395704, gnomAD 0.003%). This missense change has been observed in individual(s) with mild hemophilia A (PMID: 18217193). This variant is also known as p.Lys325Gln (variant incorrectly reported in PMID: 25854144 as p.Lys325Glu).

Mendelics
Classification: Pathogenic for Thrombophilia, X-linked, due to factor 8 defect. Last evaluated: 2022-05-04. Review status: criteria provided, single submitter. Criteria: Mendelics Assertion Criteria 2019. Collection method: clinical testing. Allele origin: germline. Not counted in ClinVar's aggregate classification.

Literature cited by the submitters: PubMed 35770352 (cited by Women's Health and Genetics/Laboratory Corporation of America, LabCorp); PubMed 18217193 (cited by Women's Health and Genetics/Laboratory Corporation of America, LabCorp and Labcorp Genetics (formerly Invitae), Labcorp).